The following is an entry in ClinVar:

NM_001077653.2(TBX20):c.490_493dup (p.His165fs)

Gene: TBX20 (T-box transcription factor 20; minus strand). Cytogenetic location: 7p14.2.
Variant type: Duplication.
Coding change: c.490_493dup on transcript NM_001077653.2 (MANE Select); coding-DNA positions 490 to 493, 4 bases duplicated (TACC; older notation c.490_493dupTACC).
Protein change: p.His165fs; shifts the reading frame from histidine 165.
Molecular consequence: frameshift variant.
Genome position (GRCh38, 1-based): chr7:35,248,729-35,248,732, GGTA duplicated on the plus strand (TACC on the coding strand, the reverse complement: TBX20 is on the minus strand); duplicating any 4 consecutive bases within chr7:35,248,729-35,248,734 gives the same sequence; the c. name uses the placement nearest the transcript's 3' end. VCF-style (leftmost placement, unchanged base first): chr7-35248728-T-TGGTA. GRCh37 (hg19) VCF-style: chr7-35288340-T-TGGTA.
Other names: c.490_493dup, p.His165fs (NM_001166220.1); short protein forms H165fs.
Identifiers: ClinVar variation 3644712 (VCV003644712.2).

ClinVar aggregate classification (germline): Pathogenic (1 of 4 stars; one submission).

Submission:

Labcorp Genetics (formerly Invitae), Labcorp
Classification: Pathogenic. Last evaluated: 2024-03-06. Review status: criteria provided, single submitter. Criteria: Invitae Variant Classification Sherloc (09022015). Collection method: clinical testing. Allele origin: germline.
Comment: This sequence change creates a premature translational stop signal (p.His165Leufs*31) in the TBX20 gene. It is expected to result in an absent or disrupted protein product. Loss-of-function variants in TBX20 are known to be pathogenic (PMID: 15901664, 25625280, 26118961, 27510170). This variant is not present in population databases (gnomAD no frequency). This variant has not been reported in the literature in individuals affected with TBX20-related conditions. For these reasons, this variant has been classified as Pathogenic.

Literature cited by the submitters: PubMed 15901664; PubMed 25625280; PubMed 26118961; PubMed 27510170.